The following is an entry in ClinVar:

ClinVar aggregate classification (germline): Likely pathogenic. Review status: criteria provided, single submitter (1 of 4 stars). 2 submissions from 1 submitter: Likely pathogenic (1). 1 of the submissions does not count toward it. Last evaluated 2024-06-24.

Conditions:
Hereditary angioedema type 1 (HAE1). Identifiers: Orphanet 100050, Orphanet 100051, Orphanet 91378, MedGen C2717906, MONDO:0015053, OMIM 106100.

Submissions (2):

DNA-diagnostics Laboratory, Research Centre For Medical Genetics
Classification: Likely pathogenic for Hereditary angioedema type 1. Last evaluated: 2024-06-24. Review status: criteria provided, single submitter. Criteria: ACMG Guidelines, 2015. Collection method: research. Allele origin: germline. Inheritance: Autosomal dominant inheritance. Affected: yes. Observed: 1 variant allele, 1 heterozygote.
Comment: The c.1287delG variant in SERPING1 meets ACMG/ClinGen SVI guidance criteria to be classified as likely pathogenic: PVS1_Str, PM2_Sup, PP4

DNA-diagnostics Laboratory, Research Centre For Medical Genetics
Classification: Likely pathogenic for Hereditary angioedema type 1. Last evaluated: 2024-06-24. Review status: flagged submission. Criteria: ACMG Guidelines, 2015. Collection method: research. Allele origin: germline. Inheritance: Autosomal dominant inheritance. Affected: yes. Observed: 1 variant allele, 1 heterozygote. Not counted in ClinVar's aggregate classification.
Comment: The c.1287delG variant in SERPING1 meets ACMG/ClinGen SVI guidance criteria to be classified as likely pathogenic: PVS1_Str, PM2_Sup, PP4 This submition duplicates the submition SCV005061777.1 and should be deleted.
ClinVar note: Reason: This record appears to be redundant with a more recent record from the same submitter.
ClinVar note: Notes: SCV005061776 appears to be redundant with SCV005061777.

NM_000062.3(SERPING1):c.1287del (p.Gly429_Leu430insTer)

Gene: SERPING1 (serpin family G member 1; plus strand). Cytogenetic location: 11q12.1.
Variant type: Deletion.
Coding change: c.1287del on transcript NM_000062.3 (MANE Select); coding-DNA position 1287, one base deleted (G; older notation c.1287delG).
Protein change: p.Gly429_Leu430insTer.
Molecular consequence: frameshift variant.
Genome position (GRCh38, 1-based): chr11:57,614,365, G deleted; the last of 3 consecutive G bases (chr11:57,614,363-57,614,365); deleting any one gives the same sequence. VCF-style (leftmost placement, unchanged base first): chr11-57614362-TG-T. GRCh37 (hg19) VCF-style: chr11-57381835-TG-T.
Other names: c.1287del, p.Gly429_Leu430insTer (NM_001032295.2); c.1287delG (NM_000062.3).
Identifiers: ClinVar variation 3242575 (VCV003242575.3), dbSNP rs2495457910.